The following is an entry in ClinVar:

NM_182914.3(SYNE2):c.14035A>G (p.Thr4679Ala)

Gene: SYNE2 (spectrin repeat containing nuclear envelope protein 2; plus strand). Cytogenetic location: 14q23.2.
Variant type: single nucleotide variant.
Coding change: c.14035A>G on transcript NM_182914.3 (MANE Select); coding-DNA position 14035, A replaced by G.
Protein change: p.Thr4679Ala; replaces threonine 4679 with alanine.
Molecular consequence: missense variant.
Genome position (GRCh38, 1-based): chr14:64,129,797, A>G. VCF-style: chr14-64129797-A-G. GRCh37 (hg19) VCF-style: chr14-64596515-A-G.
Other names: c.14035A>G, p.Thr4679Ala (NM_015180.6); c.14035A>G (NM_182914.2); short protein forms T4679A.
Identifiers: ClinVar variation 3618140 (VCV003618140.3).
Genomic context (GRCh38, chr14:64,129,797, plus strand): 5'-TGACTTACTGAAGGGTTTTCTTTTCTTGTATTGTCTCTCACTTAGAAAGCAGATGCATAT[A>G]CAGTGGAGCTGGAGAACGCCGAGAGCCGAGTGGCCAAACTAAGAGATGAAGGGGAGAGGC-3'
Protein context (NP_878918.2, residues 4669-4689): AEQLQKADAY[Thr4679Ala]VELENAESRV

ClinVar aggregate classification (germline): Uncertain significance. Review status: criteria provided, multiple submitters, no conflicts (2 of 4 stars). 2 submissions from 2 submitters: Uncertain significance (2). Last evaluated 2025-05-23.

Conditions:
Emery-Dreifuss muscular dystrophy 5, autosomal dominant (EDMD5). Also called: EMERY-DREIFUSS MUSCULAR DYSTROPHY 5. Identifiers: Orphanet 261, MedGen C2751805, MONDO:0013072, OMIM 612999.

gnomAD v4.1: 1 of 1,614,194 alleles (0.000062%); no homozygotes.

Submissions (2):

Ambry Genetics
Classification: Uncertain significance. Last evaluated: 2025-05-23. Review status: criteria provided, single submitter. Criteria: Ambry Variant Classification Scheme 2023. Collection method: clinical testing. Allele origin: germline.

Labcorp Genetics (formerly Invitae), Labcorp
Classification: Uncertain significance for Emery-Dreifuss muscular dystrophy 5, autosomal dominant. Last evaluated: 2025-01-11. Review status: criteria provided, single submitter. Criteria: Invitae Variant Classification Sherloc (09022015). Collection method: clinical testing. Allele origin: germline.
Comment: This sequence change replaces threonine, which is neutral and polar, with alanine, which is neutral and non-polar, at codon 4679 of the SYNE2 protein (p.Thr4679Ala). This variant is not present in population databases (gnomAD no frequency). This variant has not been reported in the literature in individuals affected with SYNE2-related conditions. An algorithm developed to predict the effect of missense changes on protein structure and function outputs the following: PolyPhen-2: "Benign". The alanine amino acid residue is found in multiple mammalian species, which suggests that this missense change does not adversely affect protein function. In summary, the available evidence is currently insufficient to determine the role of this variant in disease. Therefore, it has been classified as a Variant of Uncertain Significance.